The following is an entry in ClinVar:

ClinVar aggregate classification (germline): Likely benign. Review status: criteria provided, multiple submitters, no conflicts (2 of 4 stars). 4 submissions from 4 submitters: Likely benign (4). Last evaluated 2024-01-31.

Conditions:
Familial thoracic aortic aneurysm and aortic dissection (TAAD). Also called: Thoracic aortic aneurysms and dissections. Identifiers: Orphanet 91387, MedGen C4707243, MONDO:0019625.
Aortic aneurysm, familial thoracic 4 (AAT4). Also called: AORTIC ANEURYSM/AORTIC DISSECTION AND PATENT DUCTUS ARTERIOSUS. Identifiers: MedGen C1851504, MONDO:0007568, OMIM 132900.

Allele frequency attached by ClinVar (database versions not stated): gnomAD exomes 0.00001; gnomAD 0.00006; TOPMed 0.00006.
gnomAD v4.1: 23 of 1,611,804 alleles (0.0014%); highest among the groups gnomAD compares: Admixed American, 0.028%; no homozygotes.

Submissions (4):

Labcorp Genetics (formerly Invitae), Labcorp
Classification: Likely benign for Aortic aneurysm, familial thoracic 4. Last evaluated: 2024-01-31. Review status: criteria provided, single submitter. Criteria: Invitae Variant Classification Sherloc (09022015). Collection method: clinical testing. Allele origin: germline.

All of Us Research Program, National Institutes of Health
Classification: Likely benign for Familial thoracic aortic aneurysm and aortic dissection. Last evaluated: 2023-09-18. Review status: criteria provided, single submitter. Criteria: ACMG Guidelines, 2015. Collection method: clinical testing. Allele origin: germline. Inheritance: Autosomal dominant inheritance. Observed: 2 variant alleles, 2 heterozygotes.
Comment: This study involves interpretation of variants in research participants for the purpose of population health screening. Participant phenotype was not available at the time of variant classification. Additional details can be found in publication PMID: 35346344, PMCID: PMC8962531

Color Diagnostics, LLC DBA Color Health
Classification: Likely benign for Familial thoracic aortic aneurysm and aortic dissection. Last evaluated: 2022-11-06. Review status: criteria provided, single submitter. Criteria: ACMG Guidelines, 2015. Collection method: clinical testing. Allele origin: germline.

Ambry Genetics
Classification: Likely benign for Familial thoracic aortic aneurysm and aortic dissection. Last evaluated: 2022-10-14. Review status: criteria provided, single submitter. Criteria: Ambry Variant Classification Scheme 2023. Collection method: clinical testing. Allele origin: germline.

NM_002474.3(MYH11):c.3699C>T (p.Asn1233=)

Gene: MYH11 (myosin heavy chain 11; minus strand). Cytogenetic location: 16p13.11.
Variant type: single nucleotide variant.
Coding change: c.3699C>T on transcript NM_002474.3 (MANE Select); coding-DNA position 3699, C replaced by T.
Protein change: p.Asn1233=; no amino-acid change (asparagine 1233 retained).
Molecular consequence: synonymous variant.
Genome position (GRCh38, 1-based): chr16:15,727,007, G>A on the plus strand (C>T on the coding strand, the complement: MYH11 is on the minus strand). VCF-style: chr16-15727007-G-A. GRCh37 (hg19) VCF-style: chr16-15820864-G-A.
Other names: c.3720C>T, p.Asn1240= (NM_001040113.2, NM_001040114.2); c.3699C>T, p.Asn1233= (NM_022844.3).
Identifiers: ClinVar variation 1734016 (VCV001734016.8), dbSNP rs1403616968, ClinGen allele CA493766230.